The following is an entry in ClinVar:

NM_000195.5(HPS1):c.1258C>T (p.Arg420Cys)

Gene: HPS1 (HPS1 biogenesis of lysosomal organelles complex 3 subunit 1; minus strand). Cytogenetic location: 10q24.2.
Variant type: single nucleotide variant.
Coding change: c.1258C>T on transcript NM_000195.5 (MANE Select); coding-DNA position 1258, C replaced by T.
Protein change: p.Arg420Cys; replaces arginine 420 with cysteine.
Molecular consequence: missense variant.
Genome position (GRCh38, 1-based): chr10:98,425,618, G>A on the plus strand (C>T on the coding strand, the complement: HPS1 is on the minus strand). VCF-style: chr10-98425618-G-A. GRCh37 (hg19) VCF-style: chr10-100185375-G-A.
Other names: c.286C>T, p.Arg96Cys (NM_001311345.2, NM_001322487.2, NM_001322489.2); c.1258C>T, p.Arg420Cys (NM_001322476.2, NM_001322477.2); c.1159C>T, p.Arg387Cys (NM_001322478.2, NM_001322479.2); c.997C>T, p.Arg333Cys (NM_001322480.2, NM_001322481.2); c.898C>T, p.Arg300Cys (NM_001322482.2); c.889C>T, p.Arg297Cys (NM_001322483.2, NM_001322484.2); c.790C>T, p.Arg264Cys (NM_001322485.2); short protein forms R264C, R300C, R387C, R297C, R96C, R333C, R420C.
Identifiers: ClinVar variation 2182588 (VCV002182588.2), dbSNP rs773603604, ClinGen allele CA5639097.

ClinVar aggregate classification (germline): Uncertain significance (1 of 4 stars; one submission).

Allele frequency attached by ClinVar (database versions not stated): gnomAD exomes below 0.00001; ExAC 0.00001; gnomAD 0.00001.
gnomAD v4.1: 5 of 1,613,662 alleles (0.00031%); highest among the groups gnomAD compares: South Asian, 0.0011%; no homozygotes.

Submission:

Labcorp Genetics (formerly Invitae), Labcorp
Classification: Uncertain significance. Last evaluated: 2025-02-17. Review status: criteria provided, single submitter. Criteria: Invitae Variant Classification Sherloc (09022015). Collection method: clinical testing. Allele origin: germline.
Comment: This sequence change replaces arginine, which is basic and polar, with cysteine, which is neutral and slightly polar, at codon 420 of the HPS1 protein (p.Arg420Cys). This variant is present in population databases (rs773603604, gnomAD 0.0009%). This variant has not been reported in the literature in individuals affected with HPS1-related conditions. ClinVar contains an entry for this variant (Variation ID: 2182588). Invitae Evidence Modeling of protein sequence and biophysical properties (such as structural, functional, and spatial information, amino acid conservation, physicochemical variation, residue mobility, and thermodynamic stability) has been performed for this missense variant. However, the output from this modeling did not meet the statistical confidence thresholds required to predict the impact of this variant on HPS1 protein function. In summary, the available evidence is currently insufficient to determine the role of this variant in disease. Therefore, it has been classified as a Variant of Uncertain Significance.